The following is an entry in ClinVar:

ClinVar aggregate classification (germline): Pathogenic (1 of 4 stars; one submission).

Submissions (2):

GeneDx
Classification: Pathogenic. Last evaluated: 2026-04-07. Review status: criteria provided, single submitter. Criteria: GeneDx Variant Classification Process June 2021. Collection method: clinical testing. Allele origin: germline.
Comment: Alters the last nucleotide of the exon and is predicted to destroy the splice donor site and result in aberrant splicing, although in the absence of functional evidence the actual effect of this sequence change is unknown; Not observed at significant frequency in large population cohorts (gnomAD); Has not been previously published as pathogenic or benign to our knowledge; This variant is associated with the following publications: (PMID: 31275557)

Dr. Peter K. Rogan Lab, Western University
No classification provided (evidence only). Condition: Nonpapillary renal cell carcinoma. Review status: no classification provided. Collection method: in vitro. Allele origin: not applicable. Functional consequence: retained intron. Not counted in ClinVar's aggregate classification.

NM_001291415.2(KDM6A):c.875G>A (p.Arg292Lys)

Gene: KDM6A (lysine demethylase 6A; plus strand). Cytogenetic location: Xp11.3.
Variant type: single nucleotide variant.
Coding change: c.875G>A on transcript NM_001291415.2 (MANE Select); coding-DNA position 875, G replaced by A.
Protein change: p.Arg292Lys; replaces arginine 292 with lysine.
Molecular consequence: missense variant. On other transcripts: non-coding transcript variant (1).
Genome position (GRCh38, 1-based): chrX:45,053,955, G>A. VCF-style: chrX-45053955-G-A. GRCh37 (hg19) VCF-style: chrX-44913200-G-A.
Other names: NC_000023.10:g.44913200G>A; c.875G>A, p.Arg292Lys (NM_001291416.2, NM_001291417.2, NM_001291418.2 and 9 more transcripts); c.122G>A, p.Arg41Lys (NM_001291421.2); c.875G>A (NM_021140.2); short protein forms R41K, R292K.
Identifiers: ClinVar variation 4489796 (VCV004489796.2).